The following is an entry in ClinVar:

NM_004448.4(ERBB2):c.874G>A (p.Gly292Ser)

Gene: ERBB2 (erb-b2 receptor tyrosine kinase 2; plus strand). Cytogenetic location: 17q12.
Variant type: single nucleotide variant.
Coding change: c.874G>A on transcript NM_004448.4 (MANE Select); coding-DNA position 874, G replaced by A.
Protein change: p.Gly292Ser; replaces glycine 292 with serine.
Molecular consequence: missense variant. On other transcripts: non-coding transcript variant (1), intron variant (2).
Genome position (GRCh38, 1-based): chr17:39,710,454, G>A. VCF-style: chr17-39710454-G-A. GRCh37 (hg19) VCF-style: chr17-37866707-G-A.
Other names: c.784G>A, p.Gly262Ser (NM_001005862.3, NM_001289938.2, NM_001382782.1 and 1 more transcripts); c.829G>A, p.Gly277Ser (NM_001289936.2); c.874G>A, p.Gly292Ser (NM_001289937.2, NM_001382784.1, NM_001382785.1 and 16 more transcripts); c.949G>A, p.Gly317Ser (NM_001382787.1); c.865G>A, p.Gly289Ser (NM_001382791.1); c.694G>A, p.Gly232Ser (NM_001382799.1); c.643+573G>A (NM_001382802.1); c.74-1474G>A (NM_001382804.1); short protein forms G262S, G289S, G317S, G292S, G232S, G277S.
Identifiers: ClinVar variation 1042421 (VCV001042421.8), dbSNP rs775544453, ClinGen allele CA8533750.
Genomic context (GRCh38, chr17:39,710,454, plus strand): 5'-GTCACCTACAACACAGACACGTTTGAGTCCATGCCCAATCCCGAGGGCCGGTATACATTC[G>A]GCGCCAGCTGTGTGACTGCCTGTCCCTGTGAGTGCCAGGGAGAAACACAGTTTTCTCATT-3'
Protein context (NP_004439.2, residues 282-302): MPNPEGRYTF[Gly292Ser]ASCVTACPYN

ClinVar aggregate classification (germline): Uncertain significance (1 of 4 stars; one submission).

Allele frequency attached by ClinVar (database versions not stated): TOPMed below 0.00001; gnomAD 0.00001; gnomAD exomes 0.00001 and 0.00003; ExAC 0.00002.
gnomAD v4.1: 19 of 1,613,888 alleles (0.0012%); highest among the groups gnomAD compares: South Asian, 0.013%; no homozygotes.

Submission:

Labcorp Genetics (formerly Invitae), Labcorp
Classification: Uncertain significance. Last evaluated: 2020-02-17. Review status: criteria provided, single submitter. Criteria: Invitae Variant Classification Sherloc (09022015). Collection method: clinical testing. Allele origin: germline.
Comment: This sequence change replaces glycine with serine at codon 292 of the ERBB2 protein (p.Gly292Ser). The glycine residue is highly conserved and there is a small physicochemical difference between glycine and serine. This variant is present in population databases (rs775544453, ExAC 0.01%). This variant has not been reported in the literature in individuals with ERBB2-related conditions. Algorithms developed to predict the effect of missense changes on protein structure and function are either unavailable or do not agree on the potential impact of this missense change (SIFT: "Deleterious"; PolyPhen-2: "Probably Damaging"; Align-GVGD: "Class C0"). Algorithms developed to predict the effect of sequence changes on RNA splicing suggest that this variant may create or strengthen a splice site, but this prediction has not been confirmed by published transcriptional studies. In summary, the available evidence is currently insufficient to determine the role of this variant in disease. Therefore, it has been classified as a Variant of Uncertain Significance.